The following is an entry in ClinVar:

NM_017951.5(SMPD4):c.1144C>G (p.Gln382Glu)

Gene: SMPD4 (sphingomyelin phosphodiesterase 4; minus strand). Cytogenetic location: 2q21.1.
Variant type: single nucleotide variant.
Coding change: c.1144C>G on transcript NM_017951.5 (MANE Select); coding-DNA position 1144, C replaced by G.
Protein change: p.Gln382Glu; replaces glutamine 382 with glutamic acid.
Molecular consequence: missense variant. On other transcripts: non-coding transcript variant (2).
Genome position (GRCh38, 1-based): chr2:130,156,629, G>C on the plus strand (C>G on the coding strand, the complement: SMPD4 is on the minus strand). VCF-style: chr2-130156629-G-C. GRCh37 (hg19) VCF-style: chr2-130914202-G-C.
Other names: c.955C>G, p.Gln319Glu (NM_001171083.2); c.1174C>G, p.Gln392Glu (NM_017751.4); short protein forms Q392E, Q382E, Q319E.
Identifiers: ClinVar variation 3166666 (VCV003166666.2), dbSNP rs138211555, ClinGen allele CA1869893.

ClinVar aggregate classification (germline): Uncertain significance. Review status: criteria provided, multiple submitters, no conflicts (2 of 4 stars). 2 submissions from 2 submitters: Uncertain significance (2). Last evaluated 2024-02-13.

Conditions:
Inborn genetic diseases. Identifiers: MedGen C0950123, MeSH D030342.

Allele frequency attached by ClinVar (database versions not stated): gnomAD exomes 0.00002; TOPMed 0.00002; ExAC 0.00003; gnomAD 0.00003.
gnomAD v4.1: 35 of 1,613,842 alleles (0.0022%); highest among the groups gnomAD compares: Middle Eastern, 0.017%; no homozygotes.

Submissions (2):

Ambry Genetics
Classification: Uncertain significance for Inborn genetic diseases. Last evaluated: 2024-02-13. Review status: criteria provided, single submitter. Criteria: Ambry Variant Classification Scheme 2023. Collection method: clinical testing. Allele origin: germline.

GeneDx
Classification: Uncertain significance. Last evaluated: 2023-12-27. Review status: criteria provided, single submitter. Criteria: GeneDx Variant Classification Process June 2021. Collection method: clinical testing. Allele origin: germline. Affected: yes.
Comment: In silico analysis supports that this missense variant does not alter protein structure/function; Has not been previously published as pathogenic or benign to our knowledge